The following is an entry in ClinVar:

ClinVar aggregate classification (germline): Uncertain significance (1 of 4 stars; one submission).

Conditions:
Noonan syndrome (NS). Also called: Noonan's syndrome. Identifiers: Orphanet 648, MedGen C0028326, MeSH D009634, MONDO:0018997. Disease mechanism: gain of function.

Submission:

Labcorp Genetics (formerly Invitae), Labcorp
Classification: Uncertain significance for Noonan syndrome. Last evaluated: 2024-04-30. Review status: criteria provided, single submitter. Criteria: Invitae Variant Classification Sherloc (09022015). Collection method: clinical testing. Allele origin: germline.
Comment: This sequence change replaces glycine, which is neutral and non-polar, with arginine, which is basic and polar, at codon 22 of the RRAS protein (p.Gly22Arg). This variant is not present in population databases (gnomAD no frequency). This variant has not been reported in the literature in individuals affected with RRAS-related conditions. Algorithms developed to predict the effect of missense changes on protein structure and function output the following: SIFT: "Not Available"; PolyPhen-2: "Benign"; Align-GVGD: "Not Available". The arginine amino acid residue is found in multiple mammalian species, which suggests that this missense change does not adversely affect protein function. In summary, the available evidence is currently insufficient to determine the role of this variant in disease. Therefore, it has been classified as a Variant of Uncertain Significance.

NM_006270.5(RRAS):c.64G>A (p.Gly22Arg)

Gene: RRAS (RAS related; minus strand). Cytogenetic location: 19q13.33.
Variant type: single nucleotide variant.
Coding change: c.64G>A on transcript NM_006270.5 (MANE Select); coding-DNA position 64, G replaced by A.
Protein change: p.Gly22Arg; replaces glycine 22 with arginine.
Molecular consequence: missense variant.
Genome position (GRCh38, 1-based): chr19:49,640,035, C>T on the plus strand (G>A on the coding strand, the complement: RRAS is on the minus strand). VCF-style: chr19-49640035-C-T. GRCh37 (hg19) VCF-style: chr19-50143292-C-T.
Other names: short protein forms G22R.
Identifiers: ClinVar variation 3718466 (VCV003718466.2).
Genomic context (GRCh38, chr19:49,640,035, plus strand): 5'-TGCCCACGCCGCCGCCGCCCACGACCACCAGCTTGTGTGTCTCGCTGGGCGGGGGGTCCC[C>T]GGGCCCAGGTCCCCCGCCCCGGGGCCGCCCCCGCCCTGTCCCGGACGCCGCCCCGCTGCT-3'
Protein context (NP_006261.1, residues 12-32): GRPRGGGPGP[Gly22Arg]DPPPSETHKL